The following is an entry in ClinVar:

NM_001298.3(CNGA3):c.9del (p.Ile4fs)

Gene: CNGA3 (cyclic nucleotide gated channel subunit alpha 3; plus strand). Cytogenetic location: 2q11.2.
Variant type: Deletion.
Coding change: c.9del on transcript NM_001298.3 (MANE Select); coding-DNA position 9, one base deleted (G; older notation c.9delG).
Protein change: p.Ile4fs; shifts the reading frame from isoleucine 4.
Molecular consequence: frameshift variant.
Genome position (GRCh38, 1-based): chr2:98,369,984, G deleted. VCF-style (leftmost placement, unchanged base first): chr2-98369983-AG-A. GRCh37 (hg19) VCF-style: chr2-98986446-AG-A.
Other names: c.9del, p.Ile4fs (NM_001079878.2); short protein forms I4fs.
Identifiers: ClinVar variation 1453688 (VCV001453688.7), dbSNP rs1558808357, ClinGen allele CA534918902.

ClinVar aggregate classification (germline): Pathogenic/Likely pathogenic. Review status: criteria provided, multiple submitters, no conflicts (2 of 4 stars). 2 submissions from 2 submitters: Pathogenic (1); Likely pathogenic (1). Last evaluated 2024-07-08.

Conditions:
CNGA3-related disorders.

Allele frequency attached by ClinVar (database versions not stated): gnomAD exomes below 0.00001.

Submissions (2):

Blueprint Genetics
Classification: Likely pathogenic for CNGA3-related disorders. Last evaluated: 2024-07-08. Review status: criteria provided, single submitter. Criteria: ACMG Guidelines, 2015. Collection method: clinical testing. Allele origin: germline. Affected: yes. Observed: 3 variant alleles.

Labcorp Genetics (formerly Invitae), Labcorp
Classification: Pathogenic. Last evaluated: 2022-04-08. Review status: criteria provided, single submitter. Criteria: Invitae Variant Classification Sherloc (09022015). Collection method: clinical testing. Allele origin: germline.
Comment: This sequence change creates a premature translational stop signal (p.Ile4Serfs*15) in the CNGA3 gene. It is expected to result in an absent or disrupted protein product. Loss-of-function variants in CNGA3 are known to be pathogenic (PMID: 14757870, 24903488, 25637600). This variant is present in population databases (no rsID available, gnomAD 0.0009%). This variant has not been reported in the literature in individuals affected with CNGA3-related conditions. For these reasons, this variant has been classified as Pathogenic.

Literature cited by the submitters: PubMed 14757870 (cited by Labcorp Genetics (formerly Invitae), Labcorp); PubMed 24903488 (cited by Labcorp Genetics (formerly Invitae), Labcorp); PubMed 25637600 (cited by Labcorp Genetics (formerly Invitae), Labcorp).